The following is an entry in ClinVar:

NM_001035.3(RYR2):c.7591T>C (p.Cys2531Arg)

Gene: RYR2 (ryanodine receptor 2; plus strand). Cytogenetic location: 1q43.
Variant type: single nucleotide variant.
Coding change: c.7591T>C on transcript NM_001035.3 (MANE Select); coding-DNA position 7591, T replaced by C.
Protein change: p.Cys2531Arg; replaces cysteine 2531 with arginine.
Molecular consequence: missense variant.
Genome position (GRCh38, 1-based): chr1:237,649,955, T>C. VCF-style: chr1-237649955-T-C. GRCh37 (hg19) VCF-style: chr1-237813255-T-C.
Other names: short protein forms C2531R.
Identifiers: ClinVar variation 2454004 (VCV002454004.2), dbSNP rs2547036821, ClinGen allele CA345399142.

ClinVar aggregate classification (germline): Uncertain significance (1 of 4 stars; one submission).

Conditions:
Cardiovascular phenotype. Identifiers: MedGen CN230736.

Allele frequency attached by ClinVar (database versions not stated): gnomAD exomes below 0.00001.
gnomAD v4.1: 1 of 1,614,038 alleles (0.000062%); highest among the groups gnomAD compares: Non-Finnish European, 0.000085%; no homozygotes.

Submission:

Ambry Genetics
Classification: Uncertain significance for Cardiovascular phenotype. Last evaluated: 2022-11-09. Review status: criteria provided, single submitter. Criteria: Ambry Variant Classification Scheme 2023. Collection method: clinical testing. Allele origin: germline.
Comment: The p.C2531R variant (also known as c.7591T>C), located in coding exon 50 of the RYR2 gene, results from a T to C substitution at nucleotide position 7591. The cysteine at codon 2531 is replaced by arginine, an amino acid with highly dissimilar properties. This amino acid position is highly conserved in available vertebrate species. In addition, this alteration is predicted to be deleterious by in silico analysis. Since supporting evidence is limited at this time, the clinical significance of this alteration remains unclear.